The following is an entry in ClinVar:

ClinVar aggregate classification (germline): Uncertain significance (1 of 4 stars; one submission).

Conditions:
Cyclical neutropenia. Also called: Cyclic hematopoiesis; Cyclic Neutropenia. Identifiers: Orphanet 2686, MedGen C0221023, MONDO:0008090, OMIM 162800, HP:0040289. Disease mechanism: loss of function.
Neutropenia, severe congenital, 1, autosomal dominant. Identifiers: MedGen C1859966, MONDO:0042490, OMIM 202700.

Submission:

Labcorp Genetics (formerly Invitae), Labcorp
Classification: Uncertain significance for Neutropenia, severe congenital, 1, autosomal dominant; Cyclical neutropenia. Last evaluated: 2023-10-13. Review status: criteria provided, single submitter. Criteria: Invitae Variant Classification Sherloc (09022015). Collection method: clinical testing. Allele origin: unknown.
Comment: This variant is a gross deletion of the genomic region encompassing exon(s) 4-5 of the ELANE gene, which includes the termination codon. This deletion extends beyond the assayed region for this gene and therefore may encompass additional genes. While this deletion is not anticipated to lead to nonsense mediated decay, it is expected to alter mRNA translation or result in a truncated protein product. This variant has not been reported in the literature in individuals affected with ELANE-related conditions. Experimental studies and prediction algorithms are not available or were not evaluated, and the functional significance of this variant is currently unknown. In summary, the available evidence is currently insufficient to determine the role of this variant in disease. Therefore, it has been classified as a Variant of Uncertain Significance.

NC_000019.9:g.(?_855544)_(856164_?)del

Gene: ELANE (elastase, neutrophil expressed; plus strand). Cytogenetic location: 19p13.3.
Variant type: Deletion.
Identifiers: ClinVar variation 3248449 (VCV003248449.1).